The following is an entry in ClinVar:

ClinVar aggregate classification (germline): Benign (0 of 4 stars; one submission).

Conditions:
SYN2-related disorder. Also called: SYN2-related condition.

Allele frequency attached by ClinVar (database versions not stated): 1000 Genomes Project 30x 0.00187; ESP Exome Variant Server 0.00193; 1000 Genomes Project 0.00220; TOPMed 0.00249.
gnomAD v4.1: 605 of 1,613,490 alleles (0.037%); highest among the groups gnomAD compares: African/African-American, 0.64%; 1 homozygote.

Submission:

PreventionGenetics, part of Exact Sciences
Classification: Benign for SYN2-related condition. Last evaluated: 2019-10-28. Review status: no assertion criteria provided. Collection method: clinical testing. Allele origin: germline.
Comment: This variant is classified as benign based on ACMG/AMP sequence variant interpretation guidelines (Richards et al. 2015 PMID: 25741868, with internal and published modifications).

NM_133625.6(SYN2):c.1620G>A (p.Ser540=)

Gene: SYN2 (synapsin II; plus strand). Cytogenetic location: 3p25.2.
Variant type: single nucleotide variant.
Coding change: c.1620G>A on transcript NM_133625.6 (MANE Select); coding-DNA position 1620, G replaced by A.
Protein change: p.Ser540=; no amino-acid change (serine 540 retained).
Molecular consequence: synonymous variant.
Genome position (GRCh38, 1-based): chr3:12,190,496, G>A. VCF-style: chr3-12190496-G-A. GRCh37 (hg19) VCF-style: chr3-12231996-G-A.
Identifiers: ClinVar variation 3053612 (VCV003053612.2), dbSNP rs151063425, ClinGen allele CA2257959.